The following is an entry in ClinVar:

ClinVar aggregate classification (germline): Likely benign. Review status: criteria provided, multiple submitters, no conflicts (2 of 4 stars). 4 submissions from 4 submitters: Likely benign (4). Last evaluated 2026-03-01.

Conditions:
Hyperparathyroidism 1 (HRPT1). Also called: HYPERPARATHYROIDISM, FAMILIAL ISOLATED PRIMARY. Identifiers: Orphanet 99879, MedGen C1840402, MONDO:0007767, OMIM 145000.
Parathyroid carcinoma (PRTC). Also called: Parathyroid gland carcinoma; CDC73-Related Parathyroid Carcinoma. Identifiers: Orphanet 143, MedGen C0687150, MONDO:0012004, OMIM 608266, HP:0006780.
Hyperparathyroidism 2 with jaw tumors. Also called: Hyperparathyroidism 2; HYPERPARATHYROIDISM, FAMILIAL PRIMARY, WITH MULTIPLE OSSIFYING JAW FIBROMAS; HYPERPARATHYROIDISM-JAW TUMOR SYNDROME, HEREDITARY; Hyperparathyroidism-Jaw Tumor Syndrome. Identifiers: Orphanet 99880, MedGen C1704981, MONDO:0007768, OMIM 145001.
Hereditary cancer-predisposing syndrome. Also called: Hereditary neoplastic syndrome; Neoplastic Syndromes, Hereditary; Hereditary Cancer Syndrome; Tumor predisposition. Identifiers: Orphanet 140162, MedGen C0027672, MeSH D009386, MONDO:0015356.

Allele frequency attached by ClinVar (database versions not stated): gnomAD 0.00001; TOPMed 0.00001; ExAC 0.00003; gnomAD exomes 0.00003.
gnomAD v4.1: 38 of 1,612,338 alleles (0.0024%); highest among the groups gnomAD compares: East Asian, 0.036%; no homozygotes.

Submissions (4):

CeGaT Center for Human Genetics Tuebingen
Classification: Likely benign. Last evaluated: 2026-03-01. Review status: criteria provided, single submitter. Criteria: CeGaT Center For Human Genetics Tuebingen Variant Classification Criteria Version 2. Collection method: clinical testing. Allele origin: germline. Affected: yes. Observed: 1 variant allele.
Comment: CDC73: BP4, BP7

Labcorp Genetics (formerly Invitae), Labcorp
Classification: Likely benign for Parathyroid carcinoma. Last evaluated: 2026-01-21. Review status: criteria provided, single submitter. Criteria: Invitae Variant Classification Sherloc (09022015). Collection method: clinical testing. Allele origin: germline.

Fulgent Genetics
Classification: Likely benign for Hyperparathyroidism 1; Hyperparathyroidism 2 with jaw tumors; Parathyroid carcinoma. Last evaluated: 2022-05-13. Review status: criteria provided, single submitter. Criteria: ACMG Guidelines, 2015. Collection method: clinical testing. Allele origin: unknown.

Ambry Genetics
Classification: Likely benign for Hereditary cancer-predisposing syndrome. Last evaluated: 2020-04-16. Review status: criteria provided, single submitter. Criteria: Ambry Variant Classification Scheme 2023. Collection method: clinical testing. Allele origin: germline.

NM_024529.5(CDC73):c.1551A>G (p.Thr517=)

Gene: CDC73 (cell division cycle 73; plus strand). Cytogenetic location: 1q31.2.
Variant type: single nucleotide variant.
Coding change: c.1551A>G on transcript NM_024529.5 (MANE Select); coding-DNA position 1551, A replaced by G.
Protein change: p.Thr517=; no amino-acid change (threonine 517 retained).
Molecular consequence: synonymous variant.
Genome position (GRCh38, 1-based): chr1:193,249,863, A>G. VCF-style: chr1-193249863-A-G. GRCh37 (hg19) VCF-style: chr1-193218993-A-G.
Identifiers: ClinVar variation 462752 (VCV000462752.19), dbSNP rs752668844, ClinGen allele CA1303872.